The following is an entry in ClinVar:

ClinVar aggregate classification (germline): Uncertain significance. Review status: criteria provided, multiple submitters, no conflicts (2 of 4 stars). 3 submissions from 3 submitters: Uncertain significance (3). Last evaluated 2026-09-02.

Conditions:
Hereditary cancer-predisposing syndrome. Also called: Neoplastic Syndromes, Hereditary; Tumor predisposition; Hereditary neoplastic syndrome; Hereditary Cancer Syndrome. Identifiers: Orphanet 140162, MedGen C0027672, MeSH D009386, MONDO:0015356.
Tietz syndrome (TADS). Also called: ALBINISM-DEAFNESS OF TIETZ; HYPOPIGMENTATION/DEAFNESS OF TIETZ; TIETZ ALBINISM-DEAFNESS SYNDROME. Identifiers: Orphanet 42665, MedGen C0391816, MONDO:0007077, OMIM 103500.
Waardenburg syndrome type 2A (WS2A). Also called: WAARDENBURG SYNDROME WITHOUT DYSTOPIA CANTHORUM. Identifiers: Orphanet 3440, MedGen C1860339, MONDO:0008671, OMIM 193510.
Melanoma, cutaneous malignant, susceptibility to, 8. Also called: MELANOMA AND RENAL CELL CARCINOMA, SUSCEPTIBILITY TO; Cutaneous malignant melanoma 8. Identifiers: Orphanet 293822, MedGen C3152204, MONDO:0013759, OMIM 614456.

Allele frequency attached by ClinVar (database versions not stated): ExAC 0.00001; gnomAD 0.00001; gnomAD exomes 0.00001.
gnomAD v4.1: 13 of 1,613,982 alleles (0.00081%); highest among the groups gnomAD compares: Admixed American, 0.0017%; no homozygotes.

Submissions (3):

GeneDx
Classification: Uncertain significance. Last evaluated: 2026-09-02. Review status: criteria provided, single submitter. Criteria: GeneDx Variant Classification Process June 2021. Collection method: clinical testing. Allele origin: germline.
Comment: In silico analysis suggests that this missense variant does not alter protein structure/function; Has not been previously published as pathogenic or benign to our knowledge

Labcorp Genetics (formerly Invitae), Labcorp
Classification: Uncertain significance for Melanoma, cutaneous malignant, susceptibility to, 8; Waardenburg syndrome type 2A; Tietz syndrome. Last evaluated: 2025-12-28. Review status: criteria provided, single submitter. Criteria: Invitae Variant Classification Sherloc (09022015). Collection method: clinical testing. Allele origin: germline.
Comment: This sequence change replaces threonine, which is neutral and polar, with isoleucine, which is neutral and non-polar, at codon 389 of the MITF protein (p.Thr389Ile). This variant is present in population databases (rs748527966, gnomAD 0.003%). This variant has not been reported in the literature in individuals affected with MITF-related conditions. ClinVar contains an entry for this variant (Variation ID: 1313187). Invitae Evidence Modeling of protein sequence and biophysical properties (such as structural, functional, and spatial information, amino acid conservation, physicochemical variation, residue mobility, and thermodynamic stability) indicates that this missense variant is not expected to disrupt MITF protein function with a negative predictive value of 80%. In summary, the available evidence is currently insufficient to determine the role of this variant in disease. Therefore, it has been classified as a Variant of Uncertain Significance.

Ambry Genetics
Classification: Uncertain significance for Hereditary cancer-predisposing syndrome. Last evaluated: 2024-12-02. Review status: criteria provided, single submitter. Criteria: Ambry Variant Classification Scheme 2023. Collection method: clinical testing. Allele origin: germline.
Comment: The p.T389I variant (also known as c.1166C>T), located in coding exon 9 of the MITF gene, results from a C to T substitution at nucleotide position 1166. The threonine at codon 389 is replaced by isoleucine, an amino acid with similar properties. This amino acid position is conserved. In addition, the in silico prediction for this alteration is inconclusive. Based on the available evidence, the clinical significance of this variant remains unclear.

NM_001354604.2(MITF):c.1487C>T (p.Thr496Ile)

Gene: MITF (melanocyte inducing transcription factor; plus strand). Cytogenetic location: 3p13.
Variant type: single nucleotide variant.
Coding change: c.1487C>T on transcript NM_001354604.2 (MANE Select); coding-DNA position 1487, C replaced by T.
Protein change: p.Thr496Ile; replaces threonine 496 with isoleucine.
Molecular consequence: missense variant.
Genome position (GRCh38, 1-based): chr3:69,965,154, C>T. VCF-style: chr3-69965154-C-T. GRCh37 (hg19) VCF-style: chr3-70014305-C-T.
Other names: c.1166C>T, p.Thr389Ile (NM_000248.4); c.1313C>T, p.Thr438Ile (NM_001184967.2, NM_001354608.2); c.1484C>T, p.Thr495Ile (NM_001354605.2); c.1466C>T, p.Thr489Ile (NM_001354606.2, NM_006722.3); c.1418C>T, p.Thr473Ile (NM_001354607.2); c.1148C>T, p.Thr383Ile (NM_198158.3); c.1469C>T, p.Thr490Ile (NM_198159.3); c.1421C>T, p.Thr474Ile (NM_198177.3); and 1 more; short protein forms T327I, T383I, T389I, T438I, T473I, T474I, T489I, T490I.
Identifiers: ClinVar variation 1313187 (VCV001313187.9), dbSNP rs748527966, ClinGen allele CA2490685.